The following is an entry in ClinVar:

NM_001077653.2(TBX20):c.517G>T (p.Gly173Cys)

Gene: TBX20 (T-box transcription factor 20; minus strand). Cytogenetic location: 7p14.2.
Variant type: single nucleotide variant.
Coding change: c.517G>T on transcript NM_001077653.2 (MANE Select); coding-DNA position 517, G replaced by T.
Protein change: p.Gly173Cys; replaces glycine 173 with cysteine.
Molecular consequence: missense variant.
Genome position (GRCh38, 1-based): chr7:35,248,705, C>A on the plus strand (G>T on the coding strand, the complement: TBX20 is on the minus strand). VCF-style: chr7-35248705-C-A. GRCh37 (hg19) VCF-style: chr7-35288317-C-A.
Other names: c.517G>T, p.Gly173Cys (NM_001166220.1); short protein forms G173C.
Identifiers: ClinVar variation 4865348 (VCV004865348.1).

ClinVar aggregate classification (germline): Uncertain significance (1 of 4 stars; one submission).

Conditions:
Cardiovascular phenotype. Identifiers: MedGen CN230736.

Submission:

Ambry Genetics
Classification: Uncertain significance for Cardiovascular phenotype. Last evaluated: 2026-06-06. Review status: criteria provided, single submitter. Criteria: Ambry Variant Classification Scheme 2023. Collection method: clinical testing. Allele origin: germline.
Comment: The p.G173C variant (also known as c.517G>T), located in coding exon 3 of the TBX20 gene, results from a G to T substitution at nucleotide position 517. The glycine at codon 173 is replaced by cysteine, an amino acid with highly dissimilar properties. This amino acid position is conserved. In addition, this alteration is predicted to be deleterious by in silico analysis. Based on the available evidence, the clinical significance of this variant remains unclear.